The following is an entry in ClinVar:

NM_213607.3(DNAAF19):c.276+1G>A

Gene: DNAAF19 (dynein axonemal assembly factor 19; plus strand). Cytogenetic location: 17q21.31.
Variant type: single nucleotide variant.
Coding change: c.276+1G>A on transcript NM_213607.3 (MANE Select); the canonical splice donor site of the intron after coding-DNA position 276, G replaced by A.
Molecular consequence: splice donor variant. On other transcripts: missense variant (2).
Genome position (GRCh38, 1-based): chr17:44,901,653, G>A. VCF-style: chr17-44901653-G-A. GRCh37 (hg19) VCF-style: chr17-42979021-G-A.
Other names: c.277G>A, p.Val93Ile (NM_001258398.3, NM_001258399.2); c.276+1G>A (NM_001258397.3, NM_001258396.2, NM_001258395.2); short protein forms V93I.
Identifiers: ClinVar variation 2751584 (VCV002751584.2), dbSNP rs1567763865, ClinGen allele CA399828512.

ClinVar aggregate classification (germline): Pathogenic (1 of 4 stars; one submission).

Conditions:
Primary ciliary dyskinesia. Also called: Ciliary dyskinesia. Identifiers: Orphanet 244, MedGen C0008780, MONDO:0016575, HP:0012265.

Submission:

Labcorp Genetics (formerly Invitae), Labcorp
Classification: Pathogenic for Primary ciliary dyskinesia. Last evaluated: 2023-08-10. Review status: criteria provided, single submitter. Criteria: Invitae Variant Classification Sherloc (09022015). Collection method: clinical testing. Allele origin: germline.
Comment: This variant has not been reported in the literature in individuals affected with CCDC103-related conditions. For these reasons, this variant has been classified as Pathogenic. This variant disrupts a region of the CCDC103 protein in which other variant(s) (p.Ser190Argfs*19) have been determined to be pathogenic (Invitae). This suggests that this is a clinically significant region of the protein, and that variants that disrupt it are likely to be disease-causing. Variants that disrupt the consensus splice site are a relatively common cause of aberrant splicing (PMID: 17576681, 9536098). Algorithms developed to predict the effect of sequence changes on RNA splicing suggest that this variant may disrupt the consensus splice site. This variant is not present in population databases (gnomAD no frequency). This sequence change affects a donor splice site in intron 3 of the CCDC103 gene. While this variant is not anticipated to result in nonsense mediated decay, it likely alters RNA splicing and results in a disrupted protein product.

Literature cited by the submitters: PubMed 17576681; PubMed 9536098.